The following is an entry in ClinVar:

NM_004817.4(TJP2):c.1454-3C>T

Gene: TJP2 (tight junction protein 2; plus strand). Cytogenetic location: 9q21.11.
Variant type: single nucleotide variant.
Coding change: c.1454-3C>T on transcript NM_004817.4 (MANE Select); 3 bases into the intron before coding-DNA position 1454, C replaced by T.
Molecular consequence: intron variant.
Genome position (GRCh38, 1-based): chr9:69,229,181, C>T. VCF-style: chr9-69229181-C-T. GRCh37 (hg19) VCF-style: chr9-71844097-C-T.
Other names: NC_000009.11:g.71844097C>T; c.1385-3C>T (NM_001170414.2, NM_001369871.1); c.1379-3C>T (NM_001369870.1); c.1454-3C>T (NM_201629.3, NM_001369872.1, NM_001369873.1 and 1 more transcripts); c.1466-3C>T (NM_001170415.1, NM_001369875.1, NM_001369874.1); c.1547-3C>T (NM_001170416.2).
Identifiers: ClinVar variation 4357132 (VCV004357132.2).
Genomic context (GRCh38, chr9:69,229,181, plus strand): 5'-TCTATTTAGAAACGCACTCTTGTTAGTCCAGATTGATAACAGTAGATGTTTCTTAACCTA[C>T]AGCTCCTCAACCAAAAGCAGCCCCGAGAACTTTTCTTCGTCCTAGTCCTGAAGATGAAGC-3'

ClinVar aggregate classification (germline): Likely benign (1 of 4 stars; one submission).

Conditions:
TJP2-related disorder. Also called: TJP2-related condition.

gnomAD v4.1: 38 of 1,613,820 alleles (0.0024%); highest among the groups gnomAD compares: Middle Eastern, 0.033%; no homozygotes.

Submissions (2):

PreventionGenetics, part of Exact Sciences
Classification: Likely benign for TJP2-related condition. Last evaluated: 2025-10-13. Review status: criteria provided, single submitter. Criteria: ACMG Guidelines, 2015. Collection method: clinical testing. Allele origin: germline.
Comment: This variant is classified as likely benign based on ACMG/AMP sequence variant interpretation guidelines (Richards et al. 2015 PMID: 25741868, with internal and published modifications).

Dr. Peter K. Rogan Lab, Western University
No classification provided (evidence only). Condition: Familial pancreatic carcinoma. Review status: no classification provided. Collection method: in vitro. Allele origin: not applicable. Functional consequence: retained intron. Not counted in ClinVar's aggregate classification.